The following is an entry in ClinVar:

ClinVar aggregate classification (germline): Uncertain significance (1 of 4 stars; one submission).

Submission:

Labcorp Genetics (formerly Invitae), Labcorp
Classification: Uncertain significance. Last evaluated: 2022-11-08. Review status: criteria provided, single submitter. Criteria: Invitae Variant Classification Sherloc (09022015). Collection method: clinical testing. Allele origin: germline.
Comment: Algorithms developed to predict the effect of missense changes on protein structure and function output the following: SIFT: "Tolerated"; PolyPhen-2: "Not Available"; Align-GVGD: "Class C0". The alanine amino acid residue is found in multiple mammalian species, which suggests that this missense change does not adversely affect protein function. In summary, the available evidence is currently insufficient to determine the role of this variant in disease. Therefore, it has been classified as a Variant of Uncertain Significance. This variant has not been reported in the literature in individuals affected with PCLO-related conditions. This variant is not present in population databases (gnomAD no frequency). This sequence change replaces valine, which is neutral and non-polar, with alanine, which is neutral and non-polar, at codon 1171 of the PCLO protein (p.Val1171Ala).

NM_033026.6(PCLO):c.3512T>C (p.Val1171Ala)

Gene: PCLO (piccolo presynaptic cytomatrix protein; minus strand). Cytogenetic location: 7q21.11.
Variant type: single nucleotide variant.
Coding change: c.3512T>C on transcript NM_033026.6 (MANE Select); coding-DNA position 3512, T replaced by C.
Protein change: p.Val1171Ala; replaces valine 1171 with alanine.
Molecular consequence: missense variant.
Genome position (GRCh38, 1-based): chr7:82,966,276, A>G on the plus strand (T>C on the coding strand, the complement: PCLO is on the minus strand). VCF-style: chr7-82966276-A-G. GRCh37 (hg19) VCF-style: chr7-82595592-A-G.
Other names: c.3512T>C, p.Val1171Ala (NM_014510.3); short protein forms V1171A.
Identifiers: ClinVar variation 2104866 (VCV002104866.4), dbSNP rs1251139653, ClinGen allele CA367933283.
Genomic context (GRCh38, chr7:82,966,276, plus strand): 5'-GTGGTTACCATAGGAGGAATTTTTTCCATTGATAGTGTTTCCTTTACTTTTTCCAGAATG[A>G]CTTTTTCAGCTTCCGTTTTTACTTCTTGTTCTTGCTTTTTCACTAATTTTACTTGGGGAG-3'
Protein context (NP_149015.2, residues 1161-1181): EQEVKTEAEK[Val1171Ala]ILEKVKETLS